The following is an entry in ClinVar:

ClinVar aggregate classification (germline): Likely benign. Review status: criteria provided, multiple submitters, no conflicts (2 of 4 stars). 2 submissions from 2 submitters: Likely benign (2). Last evaluated 2025-12-01.

Conditions:
Familial cancer of breast. Also called: Hereditary breast cancer; hereditary breast carcinoma; BREAST CANCER, FAMILIAL. Identifiers: Orphanet 227535, MedGen C0346153, MONDO:0016419, OMIM 114480. Disease mechanism: loss of function.
Ataxia-telangiectasia syndrome (AT). Also called: Ataxia telangiectasia (A-T); Cerebello-oculocutaneous telangiectasia; Immunodeficiency with ataxia telangiectasia; Ataxia-telangiectasia, complementation group D; AT, COMPLEMENTATION GROUP C; LOUIS-BAR SYNDROME. Identifiers: Orphanet 100, MedGen C0004135, MONDO:0008840, OMIM 208900.

Allele frequency attached by ClinVar (database versions not stated): TOPMed below 0.00001.

Submissions (2):

Labcorp Genetics (formerly Invitae), Labcorp
Classification: Likely benign for Ataxia-telangiectasia syndrome. Last evaluated: 2025-12-01. Review status: criteria provided, single submitter. Criteria: Invitae Variant Classification Sherloc (09022015). Collection method: clinical testing. Allele origin: germline.

Myriad Genetics, Inc.
Classification: Likely benign for Familial cancer of breast. Last evaluated: 2024-04-18. Review status: criteria provided, single submitter. Criteria: Myriad Autosomal Dominant, Autosomal Recessive and X-Linked Classification Criteria (2023). Collection method: clinical testing. Allele origin: unknown.
Comment: This variant is considered likely benign. This variant is intronic and is not expected to impact mRNA splicing.

NM_000051.4(ATM):c.332-20A>G

Gene: ATM (ATM serine/threonine kinase; plus strand). Cytogenetic location: 11q22.3.
Variant type: single nucleotide variant.
Coding change: c.332-20A>G on transcript NM_000051.4 (MANE Select); 20 bases into the intron before coding-DNA position 332, A replaced by G.
Molecular consequence: intron variant.
Genome position (GRCh38, 1-based): chr11:108,235,650, A>G. VCF-style: chr11-108235650-A-G. GRCh37 (hg19) VCF-style: chr11-108106377-A-G.
Other names: c.332-20A>G (NM_001351834.2).
Identifiers: ClinVar variation 1632450 (VCV001632450.9), dbSNP rs1555058985, ClinGen allele CA1998765134.